The following is an entry in ClinVar:

NM_006623.4(PHGDH):c.927_934delinsTCTT (p.Lys310fs)

Gene: PHGDH (phosphoglycerate dehydrogenase; plus strand). Cytogenetic location: 1p12.
Variant type: Indel.
Coding change: c.927_934delinsTCTT on transcript NM_006623.4 (MANE Select); coding-DNA positions 927 to 934, GAAATCTC replaced by TCTT.
Protein change: p.Lys310fs; shifts the reading frame from lysine 310.
Molecular consequence: frameshift variant.
Genome position (GRCh38, 1-based): chr1:119,737,248-119,737,255, GAAATCTC replaced by TCTT. VCF-style: chr1-119737248-GAAATCTC-TCTT. GRCh37 (hg19) VCF-style: chr1-120279871-GAAATCTC-TCTT.
Other names: short protein forms K310fs.
Identifiers: ClinVar variation 5011141 (VCV005011141.1).

ClinVar aggregate classification (germline): Pathogenic (1 of 4 stars; one submission).

Conditions:
Neurometabolic disorder due to serine deficiency. Identifiers: Orphanet 35705, MedGen C5680148, MONDO:0018162.

Submission:

Myriad Genetics, Inc.
Classification: Pathogenic for Neurometabolic disorder due to serine deficiency. Last evaluated: 2024-05-14. Review status: criteria provided, single submitter. Criteria: Myriad Autosomal Dominant, Autosomal Recessive and X-Linked Classification Criteria (2023). Collection method: clinical testing. Allele origin: unknown.
Comment: NM_006623.3(PHGDH):c.927_934del8ins4(K310Lfs*6) is expected to be pathogenic in the context of serine deficiency disorder, PHGDH-related. This variant is predicted to lead to an abnormal or absent protein product due to the creation of a premature termination codon in PHGDH, a gene where loss-of-function variants are known to be pathogenic. Please note: this variant was assessed in the context of healthy population screening.